The following is an entry in ClinVar:

ClinVar aggregate classification (germline): Uncertain significance (1 of 4 stars; one submission).

Conditions:
Dyskeratosis congenita, autosomal dominant 2. Identifiers: MedGen C3151443, MONDO:0013521, OMIM 613989.
Idiopathic Pulmonary Fibrosis. Also called: Idiopathic fibrosing alveolitis, chronic form; idiopathic fibrosing alveolitis. Identifiers: Orphanet 2032, MedGen C1800706, MeSH D054990, MONDO:0800504.

Submission:

Labcorp Genetics (formerly Invitae), Labcorp
Classification: Uncertain significance for Dyskeratosis congenita, autosomal dominant 2; Idiopathic Pulmonary Fibrosis. Last evaluated: 2022-10-19. Review status: criteria provided, single submitter. Criteria: Invitae Variant Classification Sherloc (09022015). Collection method: clinical testing. Allele origin: germline.
Comment: This sequence change replaces leucine, which is neutral and non-polar, with valine, which is neutral and non-polar, at codon 158 of the TERT protein (p.Leu158Val). This variant is not present in population databases (gnomAD no frequency). This variant has not been reported in the literature in individuals affected with TERT-related conditions. Advanced modeling of protein sequence and biophysical properties (such as structural, functional, and spatial information, amino acid conservation, physicochemical variation, residue mobility, and thermodynamic stability) performed at Invitae indicates that this missense variant is expected to disrupt TERT protein function. In summary, the available evidence is currently insufficient to determine the role of this variant in disease. Therefore, it has been classified as a Variant of Uncertain Significance.

NM_198253.3(TERT):c.472C>G (p.Leu158Val)

Gene: TERT (telomerase reverse transcriptase; minus strand). Cytogenetic location: 5p15.33.
Variant type: single nucleotide variant.
Coding change: c.472C>G on transcript NM_198253.3 (MANE Select); coding-DNA position 472, C replaced by G.
Protein change: p.Leu158Val; replaces leucine 158 with valine.
Molecular consequence: missense variant. On other transcripts: non-coding transcript variant (2).
Genome position (GRCh38, 1-based): chr5:1,294,414, G>C on the plus strand (C>G on the coding strand, the complement: TERT is on the minus strand). VCF-style: chr5-1294414-G-C. GRCh37 (hg19) VCF-style: chr5-1294529-G-C.
Other names: c.472C>G, p.Leu158Val (NM_001193376.3, NM_003219.1); short protein forms L158V.
Identifiers: ClinVar variation 1721856 (VCV001721856.6), dbSNP rs2478427096, ClinGen allele CA359057963.